The following is an entry in ClinVar:

NM_031407.7(HUWE1):c.469A>G (p.Thr157Ala)

Gene: HUWE1 (HECT, UBA and WWE domain containing E3 ubiquitin protein ligase 1; minus strand). Cytogenetic location: Xp11.22.
Variant type: single nucleotide variant.
Coding change: c.469A>G on transcript NM_031407.7 (MANE Select); coding-DNA position 469, A replaced by G.
Protein change: p.Thr157Ala; replaces threonine 157 with alanine.
Molecular consequence: missense variant.
Genome position (GRCh38, 1-based): chrX:53,645,346, T>C on the plus strand (A>G on the coding strand, the complement: HUWE1 is on the minus strand). VCF-style: chrX-53645346-T-C. GRCh37 (hg19) VCF-style: chrX-53672298-T-C.
Other names: c.469A>G, p.Thr157Ala (NM_001441048.1, NM_001441049.1, NM_001441050.1 and 8 more transcripts); short protein forms T157A.
Identifiers: ClinVar variation 5008943 (VCV005008943.1).

ClinVar aggregate classification (germline): Uncertain significance (1 of 4 stars; one submission).

Submission:

GeneDx
Classification: Uncertain significance. Last evaluated: 2026-03-15. Review status: criteria provided, single submitter. Criteria: GeneDx Variant Classification Process June 2021. Collection method: clinical testing. Allele origin: germline.
Comment: Not observed at significant frequency in large population cohorts (gnomAD); In silico analysis suggests that this missense variant does not alter protein structure/function; Has not been previously published as pathogenic or benign to our knowledge